The following is an entry in ClinVar:

NM_001298.3(CNGA3):c.1217T>C (p.Met406Thr)

Gene: CNGA3 (cyclic nucleotide gated channel subunit alpha 3; plus strand). Cytogenetic location: 2q11.2.
Variant type: single nucleotide variant.
Coding change: c.1217T>C on transcript NM_001298.3 (MANE Select); coding-DNA position 1217, T replaced by C.
Protein change: p.Met406Thr; replaces methionine 406 with threonine.
Molecular consequence: missense variant.
Genome position (GRCh38, 1-based): chr2:98,396,387, T>C. VCF-style: chr2-98396387-T-C. GRCh37 (hg19) VCF-style: chr2-99012850-T-C.
Other names: c.1163T>C, p.Met388Thr (NM_001079878.2); short protein forms M406T, M388T.
Identifiers: ClinVar variation 503562 (VCV000503562.12), dbSNP rs1553450734, ClinGen allele CA347833076.
Genomic context (GRCh38, chr2:98,396,387, plus strand): 5'-TGGTGGGTGTTCTGATTTTTGCCACCATTGTGGGCAATGTGGGCTCCATGATCTCGAATA[T>C]GAATGCCTCACGGGCAGAGTTCCAGGCCAAGATTGATTCCATCAAGCAGTACATGCAGTT-3'
Protein context (NP_001289.1, residues 396-416): VGNVGSMISN[Met406Thr]NASRAEFQAK

ClinVar aggregate classification (germline): Conflicting classifications of pathogenicity. Review status: criteria provided, conflicting classifications (1 of 4 stars). 3 submissions from 3 submitters: Pathogenic (1); Uncertain significance (2). Last evaluated 2025-03-17.

Conditions:
Achromatopsia. Also called: Rod monochromatism. Identifiers: Orphanet 49382, MedGen C0152200, MONDO:0018852, HP:0011516.

Allele frequency attached by ClinVar (database versions not stated): gnomAD exomes below 0.00001.
gnomAD v4.1: 2 of 1,613,968 alleles (0.00012%); highest among the groups gnomAD compares: Non-Finnish European, 0.00017%; no homozygotes.

Submissions (3):

Labcorp Genetics (formerly Invitae), Labcorp
Classification: Uncertain significance. Last evaluated: 2025-03-17. Review status: criteria provided, single submitter. Criteria: Invitae Variant Classification Sherloc (09022015). Collection method: clinical testing. Allele origin: germline.
Comment: This sequence change replaces methionine, which is neutral and non-polar, with threonine, which is neutral and polar, at codon 406 of the CNGA3 protein (p.Met406Thr). This variant is not present in population databases (gnomAD no frequency). This missense change has been observed in individual(s) with achromatopsia (PMID: 11536077). ClinVar contains an entry for this variant (Variation ID: 503562). Invitae Evidence Modeling of protein sequence and biophysical properties (such as structural, functional, and spatial information, amino acid conservation, physicochemical variation, residue mobility, and thermodynamic stability) has been performed for this missense variant. However, the output from this modeling did not meet the statistical confidence thresholds required to predict the impact of this variant on CNGA3 protein function. Experimental studies are conflicting or provide insufficient evidence to determine the effect of this variant on CNGA3 function (PMID: 17693388). In summary, the available evidence is currently insufficient to determine the role of this variant in disease. Therefore, it has been classified as a Variant of Uncertain Significance.

Blueprint Genetics
Classification: Uncertain significance. Last evaluated: 2022-09-09. Review status: criteria provided, single submitter. Criteria: ACMG Guidelines, 2015. Collection method: clinical testing. Allele origin: germline.

Molecular Genetics Laboratory, Institute for Ophthalmic Research
Classification: Pathogenic for Achromatopsia. Last evaluated: 2018-03-20. Review status: criteria provided, single submitter. Criteria: ACMG Guidelines, 2015. Collection method: research. Allele origin: germline. Affected: yes.

Literature cited by the submitters: PubMed 11536077 (cited by Labcorp Genetics (formerly Invitae), Labcorp); PubMed 17693388 (cited by Labcorp Genetics (formerly Invitae), Labcorp).